The following is an entry in ClinVar:

NM_015141.4(GPD1L):c.593C>T (p.Thr198Ile)

Gene: GPD1L (glycerol-3-phosphate dehydrogenase 1 like; plus strand). Cytogenetic location: 3p22.3.
Variant type: single nucleotide variant.
Coding change: c.593C>T on transcript NM_015141.4 (MANE Select); coding-DNA position 593, C replaced by T.
Protein change: p.Thr198Ile; replaces threonine 198 with isoleucine.
Molecular consequence: missense variant.
Genome position (GRCh38, 1-based): chr3:32,146,709, C>T. VCF-style: chr3-32146709-C-T. GRCh37 (hg19) VCF-style: chr3-32188201-C-T.
Other names: short protein forms T198I.
Identifiers: ClinVar variation 4614251 (VCV004614251.1).
Genomic context (GRCh38, chr3:32,146,709, plus strand): 5'-TCTTCAAAGAACTTCTGCAGACTCCAAATTTTCGAATTACCGTGGTTGATGATGCAGACA[C>T]TGTTGAACTCTGTGGTGCGCTTAAGGTAAAGTCAGCCTCAGGGGAGGAGTTCATCAAGCA-3'
Protein context (NP_055956.1, residues 188-208): FRITVVDDAD[Thr198Ile]VELCGALKNI

ClinVar aggregate classification (germline): Uncertain significance (1 of 4 stars; one submission).

Conditions:
Cardiovascular phenotype. Identifiers: MedGen CN230736.

Submission:

Ambry Genetics
Classification: Uncertain significance for Cardiovascular phenotype. Last evaluated: 2025-09-17. Review status: criteria provided, single submitter. Criteria: Ambry Variant Classification Scheme 2023. Collection method: clinical testing. Allele origin: germline.
Comment: The p.T198I variant (also known as c.593C>T), located in coding exon 5 of the GPD1L gene, results from a C to T substitution at nucleotide position 593. The threonine at codon 198 is replaced by isoleucine, an amino acid with similar properties. This amino acid position is conserved. In addition, the in silico prediction for this alteration is inconclusive. Based on the available evidence, the clinical significance of this variant remains unclear.